The following is an entry in ClinVar:

NM_004304.5(ALK):c.2305G>A (p.Asp769Asn)

Gene: ALK (ALK receptor tyrosine kinase; minus strand). Cytogenetic location: 2p23.2.
Variant type: single nucleotide variant.
Coding change: c.2305G>A on transcript NM_004304.5 (MANE Select); coding-DNA position 2305, G replaced by A.
Protein change: p.Asp769Asn; replaces aspartic acid 769 with asparagine.
Molecular consequence: missense variant.
Genome position (GRCh38, 1-based): chr2:29,239,730, C>T on the plus strand (G>A on the coding strand, the complement: ALK is on the minus strand). VCF-style: chr2-29239730-C-T. GRCh37 (hg19) VCF-style: chr2-29462596-C-T.
Other names: c.2305G>A (NM_004304.4); short protein forms D769N.
Identifiers: ClinVar variation 2039126 (VCV002039126.5), dbSNP rs2148188720, ClinGen allele CA346474384.

ClinVar aggregate classification (germline): Uncertain significance. Review status: criteria provided, multiple submitters, no conflicts (2 of 4 stars). 2 submissions from 2 submitters: Uncertain significance (2). Last evaluated 2024-07-09.

Conditions:
Neuroblastoma, susceptibility to, 3. Also called: ALK-Related Neuroblastic Tumor Susceptibility. Identifiers: Orphanet 635, MedGen C2751681, MONDO:0013083, OMIM 613014.
Hereditary cancer-predisposing syndrome. Also called: Hereditary Cancer Syndrome; Tumor predisposition; Neoplastic Syndromes, Hereditary; Hereditary neoplastic syndrome. Identifiers: Orphanet 140162, MedGen C0027672, MeSH D009386, MONDO:0015356.

Submissions (2):

Ambry Genetics
Classification: Uncertain significance for Hereditary cancer-predisposing syndrome. Last evaluated: 2024-07-09. Review status: criteria provided, single submitter. Criteria: Ambry Variant Classification Scheme 2023. Collection method: clinical testing. Allele origin: germline.
Comment: The p.D769N variant (also known as c.2305G>A), located in coding exon 13 of the ALK gene, results from a G to A substitution at nucleotide position 2305. The aspartic acid at codon 769 is replaced by asparagine, an amino acid with highly similar properties. This amino acid position is conserved. In addition, this alteration is predicted to be tolerated by in silico analysis. Based on the available evidence, the clinical significance of this variant remains unclear.

Labcorp Genetics (formerly Invitae), Labcorp
Classification: Uncertain significance for Neuroblastoma, susceptibility to, 3. Last evaluated: 2022-07-21. Review status: criteria provided, single submitter. Criteria: Invitae Variant Classification Sherloc (09022015). Collection method: clinical testing. Allele origin: germline.
Comment: In summary, the available evidence is currently insufficient to determine the role of this variant in disease. Therefore, it has been classified as a Variant of Uncertain Significance. Algorithms developed to predict the effect of missense changes on protein structure and function are either unavailable or do not agree on the potential impact of this missense change (SIFT: "Deleterious"; PolyPhen-2: "Possibly Damaging"; Align-GVGD: "Class C15"). This variant has not been reported in the literature in individuals affected with ALK-related conditions. This variant is not present in population databases (gnomAD no frequency). This sequence change replaces aspartic acid, which is acidic and polar, with asparagine, which is neutral and polar, at codon 769 of the ALK protein (p.Asp769Asn).